The following is an entry in ClinVar:

NM_004973.4(JARID2):c.3669A>C (p.Arg1223Ser)

Gene: JARID2 (jumonji and AT-rich interaction domain containing 2; plus strand). Cytogenetic location: 6p22.3.
Variant type: single nucleotide variant.
Coding change: c.3669A>C on transcript NM_004973.4 (MANE Select); coding-DNA position 3669, A replaced by C.
Protein change: p.Arg1223Ser; replaces arginine 1223 with serine.
Molecular consequence: missense variant.
Genome position (GRCh38, 1-based): chr6:15,520,179, A>C. VCF-style: chr6-15520179-A-C. GRCh37 (hg19) VCF-style: chr6-15520410-A-C.
Other names: c.3153A>C, p.Arg1051Ser (NM_001267040.1); short protein forms R1051S, R1223S.
Identifiers: ClinVar variation 4982623 (VCV004982623.1).

ClinVar aggregate classification (germline): Uncertain significance (1 of 4 stars; one submission).

Conditions:
JARID2-related disorder. Also called: JARID2-related condition.

Submission:

PreventionGenetics, part of Exact Sciences
Classification: Uncertain significance for JARID2-related condition. Last evaluated: 2026-05-16. Review status: criteria provided, single submitter. Criteria: ACMG Guidelines, 2015. Collection method: clinical testing. Allele origin: germline.
Comment: The JARID2 c.3669A>C variant is predicted to result in the amino acid substitution p.Arg1223Ser. To our knowledge, this variant has not been reported in the literature or in a large population database (gnomAD), indicating this variant is rare. At this time, the clinical significance of this variant is uncertain due to the absence of conclusive functional and genetic evidence.